The following is an entry in ClinVar:

NM_005002.5(NDUFA9):c.989C>G (p.Pro330Arg)

Gene: NDUFA9 (NADH:ubiquinone oxidoreductase subunit A9; plus strand). Cytogenetic location: 12p13.32.
Variant type: single nucleotide variant.
Coding change: c.989C>G on transcript NM_005002.5 (MANE Select); coding-DNA position 989, C replaced by G.
Protein change: p.Pro330Arg; replaces proline 330 with arginine.
Molecular consequence: missense variant.
Genome position (GRCh38, 1-based): chr12:4,686,963, C>G. VCF-style: chr12-4686963-C-G. GRCh37 (hg19) VCF-style: chr12-4796129-C-G.
Other names: short protein forms P330R.
Identifiers: ClinVar variation 1920898 (VCV001920898.5), dbSNP rs1237313213, ClinGen allele CA383427760.
Genomic context (GRCh38, chr12:4,686,963, plus strand): 5'-TTCAGCATTGTCTGTGGTCCTTTGTTTATCCAAAGATGCACATCACAGACATGAAATTGC[C>G]TCACCTGCCTGGCTTAGAAGACCTTGGTATTCAGGCAACACCACTGGAACTCAAGGCCAT-3'
Protein context (NP_004993.1, residues 320-340): ERMHITDMKL[Pro330Arg]HLPGLEDLGI

ClinVar aggregate classification (germline): Uncertain significance (1 of 4 stars; one submission).

Allele frequency attached by ClinVar (database versions not stated): gnomAD exomes below 0.00001.
gnomAD v4.1: 8 of 1,614,138 alleles (0.0005%); highest among the groups gnomAD compares: Admixed American, 0.0033%; no homozygotes.

Submission:

Labcorp Genetics (formerly Invitae), Labcorp
Classification: Uncertain significance. Last evaluated: 2024-01-22. Review status: criteria provided, single submitter. Criteria: Invitae Variant Classification Sherloc (09022015). Collection method: clinical testing. Allele origin: germline.
Comment: This sequence change replaces proline, which is neutral and non-polar, with arginine, which is basic and polar, at codon 330 of the NDUFA9 protein (p.Pro330Arg). This variant is present in population databases (no rsID available, gnomAD 0.003%). This variant has not been reported in the literature in individuals affected with NDUFA9-related conditions. ClinVar contains an entry for this variant (Variation ID: 1920898). An algorithm developed to predict the effect of missense changes on protein structure and function (PolyPhen-2) suggests that this variant is likely to be disruptive. In summary, the available evidence is currently insufficient to determine the role of this variant in disease. Therefore, it has been classified as a Variant of Uncertain Significance.